The following is an entry in ClinVar:

ClinVar aggregate classification (germline): Uncertain significance (1 of 4 stars; one submission).

Conditions:
Inborn genetic diseases. Identifiers: MedGen C0950123, MeSH D030342.

Submission:

Ambry Genetics
Classification: Uncertain significance for Inborn genetic diseases. Last evaluated: 2026-06-21. Review status: criteria provided, single submitter. Criteria: Ambry Variant Classification Scheme 2023. Collection method: clinical testing. Allele origin: germline.
Comment: The p.L528V variant (also known as c.1582C>G), located in coding exon 7 of the SH2B3 gene, results from a C to G substitution at nucleotide position 1582. The leucine at codon 528 is replaced by valine, an amino acid with highly similar properties. This amino acid position is conserved. In addition, this alteration is predicted to be tolerated by in silico analysis. Based on the available evidence, the clinical significance of this variant remains unclear.

NM_005475.3(SH2B3):c.1582C>G (p.Leu528Val)

Gene: SH2B3 (SH2B adaptor protein 3; plus strand). Cytogenetic location: 12q24.12.
Variant type: single nucleotide variant.
Coding change: c.1582C>G on transcript NM_005475.3 (MANE Select); coding-DNA position 1582, C replaced by G.
Protein change: p.Leu528Val; replaces leucine 528 with valine.
Molecular consequence: missense variant.
Genome position (GRCh38, 1-based): chr12:111,448,156, C>G. VCF-style: chr12-111448156-C-G. GRCh37 (hg19) VCF-style: chr12-111885960-C-G.
Other names: c.976C>G, p.Leu326Val (NM_001291424.1); short protein forms L528V, L326V.
Identifiers: ClinVar variation 5029456 (VCV005029456.1).